The following is an entry in ClinVar:

NM_004329.3(BMPR1A):c.586G>C (p.Asp196His)

Gene: BMPR1A (bone morphogenetic protein receptor type 1A; plus strand). Cytogenetic location: 10q23.2.
Variant type: single nucleotide variant.
Coding change: c.586G>C on transcript NM_004329.3 (MANE Select); coding-DNA position 586, G replaced by C.
Protein change: p.Asp196His; replaces aspartic acid 196 with histidine.
Molecular consequence: missense variant.
Genome position (GRCh38, 1-based): chr10:86,912,295, G>C. VCF-style: chr10-86912295-G-C. GRCh37 (hg19) VCF-style: chr10-88672052-G-C.
Other names: short protein forms D196H.
Identifiers: ClinVar variation 1020488 (VCV001020488.11), dbSNP rs1843502787, ClinGen allele CA377454596.

ClinVar aggregate classification (germline): Uncertain significance. Review status: criteria provided, multiple submitters, no conflicts (2 of 4 stars). 2 submissions from 2 submitters: Uncertain significance (2). Last evaluated 2025-02-19.

Conditions:
Hereditary cancer-predisposing syndrome. Also called: Hereditary neoplastic syndrome; Neoplastic Syndromes, Hereditary; Tumor predisposition; Hereditary Cancer Syndrome. Identifiers: Orphanet 140162, MedGen C0027672, MeSH D009386, MONDO:0015356.
Juvenile polyposis syndrome (JPS). Identifiers: Orphanet 2929, MedGen C0345893, MONDO:0017380, OMIM 174900.

Submissions (2):

Labcorp Genetics (formerly Invitae), Labcorp
Classification: Uncertain significance for Juvenile polyposis syndrome. Last evaluated: 2025-02-19. Review status: criteria provided, single submitter. Criteria: Invitae Variant Classification Sherloc (09022015). Collection method: clinical testing. Allele origin: germline.
Comment: This sequence change replaces aspartic acid, which is acidic and polar, with histidine, which is basic and polar, at codon 196 of the BMPR1A protein (p.Asp196His). This variant is not present in population databases (gnomAD no frequency). This variant has not been reported in the literature in individuals affected with BMPR1A-related conditions. ClinVar contains an entry for this variant (Variation ID: 1020488). Invitae Evidence Modeling of protein sequence and biophysical properties (such as structural, functional, and spatial information, amino acid conservation, physicochemical variation, residue mobility, and thermodynamic stability) indicates that this missense variant is not expected to disrupt BMPR1A protein function with a negative predictive value of 80%. In summary, the available evidence is currently insufficient to determine the role of this variant in disease. Therefore, it has been classified as a Variant of Uncertain Significance.

Ambry Genetics
Classification: Uncertain significance for Hereditary cancer-predisposing syndrome. Last evaluated: 2021-10-25. Review status: criteria provided, single submitter. Criteria: Ambry Variant Classification Scheme 2023. Collection method: clinical testing. Allele origin: germline.
Comment: The p.D196H variant (also known as c.586G>C), located in coding exon 6 of the BMPR1A gene, results from a G to C substitution at nucleotide position 586. The aspartic acid at codon 196 is replaced by histidine, an amino acid with similar properties. This amino acid position is well conserved in available vertebrate species. In addition, the in silico prediction for this alteration is inconclusive. Since supporting evidence is limited at this time, the clinical significance of this alteration remains unclear.